The following is an entry in ClinVar:

NM_001184.4(ATR):c.4356A>G (p.Glu1452=)

Gene: ATR (ATR checkpoint kinase; minus strand). Cytogenetic location: 3q23.
Variant type: single nucleotide variant.
Coding change: c.4356A>G on transcript NM_001184.4 (MANE Select); coding-DNA position 4356, A replaced by G.
Protein change: p.Glu1452=; no amino-acid change (glutamic acid 1452 retained).
Molecular consequence: synonymous variant.
Genome position (GRCh38, 1-based): chr3:142,519,695, T>C on the plus strand (A>G on the coding strand, the complement: ATR is on the minus strand). VCF-style: chr3-142519695-T-C. GRCh37 (hg19) VCF-style: chr3-142238537-T-C.
Other names: c.4164A>G, p.Glu1388= (NM_001354579.2).
Identifiers: ClinVar variation 507420 (VCV000507420.12), dbSNP rs376297401, ClinGen allele CA2649873.

ClinVar aggregate classification (germline): Likely benign. Review status: criteria provided, multiple submitters, no conflicts (2 of 4 stars). 5 submissions from 4 submitters: Likely benign (5). Last evaluated 2024-10-24.

Conditions:
Inborn genetic diseases. Identifiers: MedGen C0950123, MeSH D030342.
Seckel syndrome 1 (SCKL1). Also called: MICROCEPHALIC PRIMORDIAL DWARFISM I. Identifiers: Orphanet 808, MedGen C4551474, MONDO:0008869, OMIM 210600.
Familial cutaneous telangiectasia and oropharyngeal predisposition cancer syndrome. Identifiers: Orphanet 313846, MedGen C3281203, MONDO:0013806, OMIM 614564.

Allele frequency attached by ClinVar (database versions not stated): TOPMed below 0.00001; ExAC 0.00001; gnomAD 0.00001; gnomAD exomes 0.00001.

Submissions (5):

Labcorp Genetics (formerly Invitae), Labcorp
Classification: Likely benign. Last evaluated: 2024-10-24. Review status: criteria provided, single submitter. Criteria: Invitae Variant Classification Sherloc (09022015). Collection method: clinical testing. Allele origin: germline.

Genome-Nilou Lab
Classification: Likely benign for Seckel syndrome 1. Last evaluated: 2023-02-08. Review status: criteria provided, single submitter. Criteria: ACMG Guidelines, 2015. Collection method: clinical testing. Allele origin: germline.

Genome-Nilou Lab
Classification: Likely benign for Familial cutaneous telangiectasia and oropharyngeal predisposition cancer syndrome. Last evaluated: 2023-02-08. Review status: criteria provided, single submitter. Criteria: ACMG Guidelines, 2015. Collection method: clinical testing. Allele origin: germline.

Ambry Genetics
Classification: Likely benign for Inborn genetic diseases. Last evaluated: 2022-04-24. Review status: criteria provided, single submitter. Criteria: Ambry Variant Classification Scheme 2023. Collection method: clinical testing. Allele origin: germline.

GeneDx
Classification: Likely benign. Last evaluated: 2017-02-16. Review status: criteria provided, single submitter. Criteria: GeneDx Variant Classification (06012015). Collection method: clinical testing. Allele origin: germline. Affected: yes.
Comment: This variant is considered likely benign or benign based on one or more of the following criteria: it is a conservative change, it occurs at a poorly conserved position in the protein, it is predicted to be benign by multiple in silico algorithms, and/or has population frequency not consistent with disease.